The following is an entry in ClinVar:

NM_000136.3(FANCC):c.989G>C (p.Ser330Thr)

Genes: FANCC (FA complementation group C; minus strand), AOPEP (aminopeptidase O (putative); plus strand). Cytogenetic location: 9q22.32.
Variant type: single nucleotide variant.
Coding change: c.989G>C on transcript NM_000136.3 (MANE Select); coding-DNA position 989, G replaced by C.
Protein change: p.Ser330Thr; replaces serine 330 with threonine.
Molecular consequence: missense variant.
Genome position (GRCh38, 1-based): chr9:95,125,093, C>G on the plus strand (G>C on the coding strand, the complement: FANCC is on the minus strand). VCF-style: chr9-95125093-C-G. GRCh37 (hg19) VCF-style: chr9-97887375-C-G.
Other names: c.989G>C, p.Ser330Thr (NM_001243743.2, NM_001243744.2); short protein forms S330T.
Identifiers: ClinVar variation 1768523 (VCV001768523.3), dbSNP rs2541136889, ClinGen allele CA374108750.

ClinVar aggregate classification (germline): Uncertain significance (1 of 4 stars; one submission).

Conditions:
Hereditary cancer-predisposing syndrome. Also called: Hereditary Cancer Syndrome; Hereditary neoplastic syndrome; Neoplastic Syndromes, Hereditary; Tumor predisposition. Identifiers: Orphanet 140162, MedGen C0027672, MeSH D009386, MONDO:0015356.

Submission:

Ambry Genetics
Classification: Uncertain significance for Hereditary cancer-predisposing syndrome. Last evaluated: 2025-06-02. Review status: criteria provided, single submitter. Criteria: Ambry Variant Classification Scheme 2023. Collection method: clinical testing. Allele origin: germline.
Comment: The p.S330T variant (also known as c.989G>C), located in coding exon 9 of the FANCC gene, results from a G to C substitution at nucleotide position 989. The serine at codon 330 is replaced by threonine, an amino acid with similar properties. This amino acid position is poorly conserved in available vertebrate species. In addition, this alteration is predicted to be tolerated by in silico analysis. Since supporting evidence is limited at this time, the clinical significance of this alteration remains unclear.